The following is an entry in ClinVar:

NM_173353.4(TPH2):c.106C>G (p.Leu36Val)

Gene: TPH2 (tryptophan hydroxylase 2; plus strand). Cytogenetic location: 12q21.1.
Variant type: single nucleotide variant.
Coding change: c.106C>G on transcript NM_173353.4 (MANE Select); coding-DNA position 106, C replaced by G.
Protein change: p.Leu36Val; replaces leucine 36 with valine.
Molecular consequence: missense variant.
Genome position (GRCh38, 1-based): chr12:71,941,584, C>G. VCF-style: chr12-71941584-C-G. GRCh37 (hg19) VCF-style: chr12-72335364-C-G.
Other names: short protein forms L36V.
Identifiers: ClinVar variation 713133 (VCV000713133.7), dbSNP rs34115267, ClinGen allele CA6689668.
Genomic context (GRCh38, chr12:71,941,584, plus strand): 5'-ACGGAGGATTCTGGAACCCTAACTAATATTTTGTTTTATTATGCTTCGACATTCCTGAAG[C>G]TAAATAAACCTAACTCTGGCAAAAATGACGACAAAGGCAACAAGGGAAGCAGCAAACGTG-3'
Protein context (NP_775489.2, residues 26-46): EEHQLLGSST[Leu36Val]NKPNSGKNDD

ClinVar aggregate classification (germline): Benign/Likely benign. Review status: criteria provided, multiple submitters, no conflicts (2 of 4 stars). 2 submissions from 2 submitters: Benign (1); Likely benign (1). Last evaluated 2018-06-12.

Conditions:
Tryptophan 5-monooxygenase deficiency. Identifiers: MedGen CN120491.

Allele frequency attached by ClinVar (database versions not stated): gnomAD exomes 0.00042 and 0.00121; ExAC 0.00159; gnomAD 0.00451 and 0.00480; ESP Exome Variant Server 0.00492; TOPMed 0.00512; 1000 Genomes Project 0.00599; 1000 Genomes Project 30x 0.00703.
gnomAD v4.1: 1,306 of 1,613,698 alleles (0.081%); highest among the groups gnomAD compares: African/African-American, 1.5%; 11 homozygotes.

Submissions (2):

Labcorp Genetics (formerly Invitae), Labcorp
Classification: Benign. Last evaluated: 2018-06-12. Review status: criteria provided, single submitter. Criteria: Invitae Variant Classification Sherloc (09022015). Collection method: clinical testing. Allele origin: germline.

Illumina Laboratory Services, Illumina
Classification: Likely benign for Tryptophan 5-monooxygenase deficiency. Last evaluated: 2017-04-27. Review status: criteria provided, single submitter. Criteria: ICSL Variant Classification Criteria 13 December 2019. Collection method: clinical testing. Allele origin: germline.
Comment: This variant was observed as part of a predisposition screen in an ostensibly healthy population. A literature search was performed for the gene, cDNA change, and amino acid change (where applicable). Publications were found based on this search. The evidence from the literature, in combination with allele frequency data from public databases where available, was sufficient to determine this variant is unlikely to cause disease. Therefore, this variant is classified as likely benign.

Literature cited by the submitters: PubMed 18444257 (cited by Illumina Laboratory Services, Illumina); PubMed 19319927 (cited by Illumina Laboratory Services, Illumina); PubMed 22915309 (cited by Illumina Laboratory Services, Illumina); PubMed 18181017 (cited by Illumina Laboratory Services, Illumina).